The following is an entry in ClinVar:

NM_006767.4(LZTR1):c.1227C>A (p.Asn409Lys)

Gene: LZTR1 (leucine zipper like post translational regulator 1; plus strand). Cytogenetic location: 22q11.21.
Variant type: single nucleotide variant.
Coding change: c.1227C>A on transcript NM_006767.4 (MANE Select); coding-DNA position 1227, C replaced by A.
Protein change: p.Asn409Lys; replaces asparagine 409 with lysine.
Molecular consequence: missense variant.
Genome position (GRCh38, 1-based): chr22:20,992,871, C>A. VCF-style: chr22-20992871-C-A. GRCh37 (hg19) VCF-style: chr22-21347160-C-A.
Other names: short protein forms N409K.
Identifiers: ClinVar variation 1754460 (VCV001754460.2), dbSNP rs2518618897, ClinGen allele CA410773991.

ClinVar aggregate classification (germline): Uncertain significance (1 of 4 stars; one submission).

Conditions:
Cardiovascular phenotype. Identifiers: MedGen CN230736.
Hereditary cancer-predisposing syndrome. Also called: Neoplastic Syndromes, Hereditary; Tumor predisposition; Hereditary Cancer Syndrome; Hereditary neoplastic syndrome. Identifiers: Orphanet 140162, MedGen C0027672, MeSH D009386, MONDO:0015356.

Submission:

Ambry Genetics
Classification: Uncertain significance for Cardiovascular phenotype; Hereditary cancer-predisposing syndrome. Last evaluated: 2022-04-19. Review status: criteria provided, single submitter. Criteria: Ambry Variant Classification Scheme 2023. Collection method: clinical testing. Allele origin: germline.
Comment: The p.N409K variant (also known as c.1227C>A), located in coding exon 11 of the LZTR1 gene, results from a C to A substitution at nucleotide position 1227. The asparagine at codon 409 is replaced by lysine, an amino acid with similar properties. This amino acid position is conserved. In addition, this alteration is predicted to be tolerated by in silico analysis. Since supporting evidence is limited at this time, the clinical significance of this alteration remains unclear.